The following is an entry in ClinVar:

NM_000465.4(BARD1):c.1083A>C (p.Glu361Asp)

Gene: BARD1 (BRCA1 associated RING domain 1; minus strand). Cytogenetic location: 2q35.
Variant type: single nucleotide variant.
Coding change: c.1083A>C on transcript NM_000465.4 (MANE Select); coding-DNA position 1083, A replaced by C.
Protein change: p.Glu361Asp; replaces glutamic acid 361 with aspartic acid.
Molecular consequence: missense variant. On other transcripts: non-coding transcript variant (2), intron variant (3).
Genome position (GRCh38, 1-based): chr2:214,780,791, T>G on the plus strand (A>C on the coding strand, the complement: BARD1 is on the minus strand). VCF-style: chr2-214780791-T-G. GRCh37 (hg19) VCF-style: chr2-215645515-T-G.
Other names: c.1026A>C, p.Glu342Asp (NM_001282543.2); c.159-28236A>C (NM_001282548.2); c.215+16270A>C (NM_001282545.2); c.364+11506A>C (NM_001282549.2); c.1083A>C (NM_000465.3); short protein forms E361D, E342D.
Identifiers: ClinVar variation 482821 (VCV000482821.14), dbSNP rs778116528, ClinGen allele CA2090340.

ClinVar aggregate classification (germline): Conflicting classifications of pathogenicity. Review status: criteria provided, conflicting classifications (1 of 4 stars). 3 submissions from 3 submitters: Uncertain significance (2); Likely benign (1). Last evaluated 2025-06-16.

Conditions:
Hereditary cancer-predisposing syndrome. Also called: Neoplastic Syndromes, Hereditary; Tumor predisposition; Hereditary Cancer Syndrome; Hereditary neoplastic syndrome. Identifiers: Orphanet 140162, MedGen C0027672, MeSH D009386, MONDO:0015356.
Familial cancer of breast. Also called: BREAST CANCER, FAMILIAL; Hereditary breast cancer; hereditary breast carcinoma. Identifiers: Orphanet 227535, MedGen C0346153, MONDO:0016419, OMIM 114480. Disease mechanism: loss of function.

Allele frequency attached by ClinVar (database versions not stated): gnomAD exomes 0.00001; TOPMed 0.00001; ExAC 0.00002.
gnomAD v4.1: 1 of 1,541,490 alleles (0.000065%); highest among the groups gnomAD compares: African/African-American, 0.0015%; no homozygotes.

Submissions (3):

Labcorp Genetics (formerly Invitae), Labcorp
Classification: Uncertain significance for Familial cancer of breast. Last evaluated: 2025-06-16. Review status: criteria provided, single submitter. Criteria: Invitae Variant Classification Sherloc (09022015). Collection method: clinical testing. Allele origin: germline.
Comment: This sequence change replaces glutamic acid, which is acidic and polar, with aspartic acid, which is acidic and polar, at codon 361 of the BARD1 protein (p.Glu361Asp). This variant is present in population databases (rs778116528, gnomAD 0.01%). This missense change has been observed in individual(s) with breast cancer (PMID: 30925164). ClinVar contains an entry for this variant (Variation ID: 482821). An algorithm developed to predict the effect of missense changes on protein structure and function outputs the following: PolyPhen-2: "Benign". The aspartic acid amino acid residue is found in multiple mammalian species, which suggests that this missense change does not adversely affect protein function. Experimental studies have shown that this missense change does not substantially affect BARD1 function (PMID: 30925164). In summary, the available evidence is currently insufficient to determine the role of this variant in disease. Therefore, it has been classified as a Variant of Uncertain Significance.

Quest Diagnostics Nichols Institute San Juan Capistrano
Classification: Uncertain significance. Last evaluated: 2025-05-28. Review status: criteria provided, single submitter. Criteria: Quest Diagnostics criteria. Collection method: clinical testing. Allele origin: unknown.
Comment: The BARD1 c.1083A>C (p.Glu361Asp) variant has been reported in the published literature in an individual with breast cancer (PMID: 30925164 (2019)). Functional studies demonstrated that this variant has an inconclusive effect on protein function (PMID: 30925164 (2019)). The frequency of this variant in the general population (Genome Aggregation Database) is uninformative in the assessment of its pathogenicity. Analysis of this variant using bioinformatics tools for the prediction of the effect of amino acid changes on protein structure and function yielded predictions that this variant is benign. Based on the available information, we are unable to determine the clinical significance of this variant.

Ambry Genetics
Classification: Likely benign for Hereditary cancer-predisposing syndrome. Last evaluated: 2017-03-16. Review status: criteria provided, single submitter. Criteria: Ambry Variant Classification Scheme 2023. Collection method: clinical testing. Allele origin: germline.

Literature cited by the submitters: PubMed 30925164 (cited by Labcorp Genetics (formerly Invitae), Labcorp and Quest Diagnostics Nichols Institute San Juan Capistrano).